The following is an entry in ClinVar:

NM_133372.3(FNIP1):c.1925G>A (p.Gly642Glu)

Gene: FNIP1 (folliculin interacting protein 1; minus strand). Cytogenetic location: 5q31.1.
Variant type: single nucleotide variant.
Coding change: c.1925G>A on transcript NM_133372.3 (MANE Select); coding-DNA position 1925, G replaced by A.
Protein change: p.Gly642Glu; replaces glycine 642 with glutamic acid.
Molecular consequence: missense variant.
Genome position (GRCh38, 1-based): chr5:131,672,519, C>T on the plus strand (G>A on the coding strand, the complement: FNIP1 is on the minus strand). VCF-style: chr5-131672519-C-T. GRCh37 (hg19) VCF-style: chr5-131008212-C-T.
Other names: c.1841G>A, p.Gly614Glu (NM_001008738.3); c.1790G>A, p.Gly597Glu (NM_001346114.2); c.1925G>A (NM_133372.2); short protein forms G597E, G614E, G642E.
Identifiers: ClinVar variation 2071874 (VCV002071874.3), dbSNP rs148128836, ClinGen allele CA3400591.
Genomic context (GRCh38, chr5:131,672,519, plus strand): 5'-TCAACAGCATTTTCTTCTTGGCAGTCAGAAGGAGAAATCATCTGGCACTCATCTGAAATT[C>T]CTAGCAGCTCCTTAGAGCTGTTTTGAATATCTTCTCTCTCTTGTTGTGAAATGTTCTCTA-3'
Protein context (NP_588613.3, residues 632-652): DIQNSSKELL[Gly642Glu]ISDECQMISP

ClinVar aggregate classification (germline): Uncertain significance. Review status: criteria provided, multiple submitters, no conflicts (2 of 4 stars). 2 submissions from 2 submitters: Uncertain significance (2). Last evaluated 2025-08-04.

Conditions:
Inborn genetic diseases. Identifiers: MedGen C0950123, MeSH D030342.

Allele frequency attached by ClinVar (database versions not stated): gnomAD exomes 0.00018; TOPMed 0.00018; gnomAD 0.00019; ESP Exome Variant Server 0.00023; ExAC 0.00024.
gnomAD v4.1: 318 of 1,613,740 alleles (0.02%); highest among the groups gnomAD compares: Middle Eastern, 0.36%; 3 homozygotes.

Submissions (2):

Ambry Genetics
Classification: Uncertain significance for Inborn genetic diseases. Last evaluated: 2025-08-04. Review status: criteria provided, single submitter. Criteria: Ambry Variant Classification Scheme 2023. Collection method: clinical testing. Allele origin: germline.

Labcorp Genetics (formerly Invitae), Labcorp
Classification: Uncertain significance. Last evaluated: 2023-12-22. Review status: criteria provided, single submitter. Criteria: Invitae Variant Classification Sherloc (09022015). Collection method: clinical testing. Allele origin: germline.
Comment: This sequence change replaces glycine, which is neutral and non-polar, with glutamic acid, which is acidic and polar, at codon 642 of the FNIP1 protein (p.Gly642Glu). This variant is present in population databases (rs148128836, gnomAD 0.04%), including at least one homozygous and/or hemizygous individual. This variant has not been reported in the literature in individuals affected with FNIP1-related conditions. ClinVar contains an entry for this variant (Variation ID: 2071874). An algorithm developed to predict the effect of missense changes on protein structure and function (PolyPhen-2) suggests that this variant¬†is likely to be tolerated. In summary, the available evidence is currently insufficient to determine the role of this variant in disease. Therefore, it has been classified as a Variant of Uncertain Significance.